The following is an entry in ClinVar:

NM_012193.4(FZD4):c.*1481C>T

Genes: PRSS23 (serine protease 23; plus strand), FZD4 (frizzled class receptor 4; minus strand). Cytogenetic location: 11q14.2.
Variant type: single nucleotide variant.
Coding change: c.*1481C>T on transcript NM_012193.4 (MANE Select); 1481 bases downstream of the stop codon, C replaced by T.
Molecular consequence: 3 prime UTR variant.
Genome position (GRCh38, 1-based): chr11:86,949,661, G>A on the plus strand (C>T on the coding strand, the complement: FZD4 is on the minus strand). VCF-style: chr11-86949661-G-A. GRCh37 (hg19) VCF-style: chr11-86660703-G-A.
Identifiers: ClinVar variation 306384 (VCV000306384.5), dbSNP rs149837228, ClinGen allele CA10631699.

ClinVar aggregate classification (germline): Benign (1 of 4 stars; one submission).

Conditions:
Exudative vitreoretinopathy 1 (EVR1). Also called: CRISWICK-SCHEPENS SYNDROME; FEVR, AUTOSOMAL DOMINANT; Familial exudative vitreoretinopathy, autosomal dominant. Identifiers: Orphanet 891, Orphanet 90050, MedGen C1851402, MONDO:0007589, OMIM 133780.

Allele frequency attached by ClinVar (database versions not stated): TOPMed 0.00016; gnomAD 0.00020 and 0.00021; 1000 Genomes Project 30x 0.00031; 1000 Genomes Project 0.00040.

Submission:

Illumina Laboratory Services, Illumina
Classification: Benign for Exudative vitreoretinopathy 1. Last evaluated: 2018-01-13. Review status: criteria provided, single submitter. Criteria: ICSL Variant Classification Criteria 13 December 2019. Collection method: clinical testing. Allele origin: germline.
Comment: This variant was observed in the ICSL laboratory as part of a predisposition screen in an ostensibly healthy population. It had not been previously curated by ICSL or reported in the Human Gene Mutation Database (HGMD: prior to June 1st, 2018), and was therefore a candidate for classification through an automated scoring system. Utilizing variant allele frequency, disease prevalence and penetrance estimates, and inheritance mode, an automated score was calculated to assess if this variant is too frequent to cause the disease. Based on the score and internal cut-off values, a variant classified as benign is not then subjected to further curation. The score for this variant resulted in a classification of benign for this disease.